The following is an entry in ClinVar:

NM_015141.4(GPD1L):c.506-234A>G

Gene: GPD1L (glycerol-3-phosphate dehydrogenase 1 like; plus strand). Cytogenetic location: 3p22.3.
Variant type: single nucleotide variant.
Coding change: c.506-234A>G on transcript NM_015141.4 (MANE Select); 234 bases into the intron before coding-DNA position 506, A replaced by G.
Molecular consequence: intron variant.
Genome position (GRCh38, 1-based): chr3:32,146,388, A>G. VCF-style: chr3-32146388-A-G. GRCh37 (hg19) VCF-style: chr3-32187880-A-G.
Identifiers: ClinVar variation 678494 (VCV000678494.1), dbSNP rs9876851, ClinGen allele CA11402079.
Genomic context (GRCh38, chr3:32,146,388, plus strand): 5'-TGCCCGCCTCAGCCTCCCAAAGTGCTGGGATTACAGGTGTGAGTCATCGTGTCTGGCCAA[A>G]AAAAACTTTAGATTCACATTCGGTCAGTTAAAAATGTATGTCAAATTGTAAATGATCACC-3'

ClinVar aggregate classification (germline): Benign (1 of 4 stars; one submission).

Allele frequency attached by ClinVar (database versions not stated): gnomAD 0.41363 and 0.41761; TOPMed 0.41509; 1000 Genomes Project 30x 0.47345; 1000 Genomes Project 0.47644.
gnomAD v4.1: 63,249 of 151,936 alleles (42%); highest among the groups gnomAD compares: African/African-American, 55%; 13,954 homozygotes.

Submission:

GeneDx
Classification: Benign. Last evaluated: 2018-06-19. Review status: criteria provided, single submitter. Criteria: GeneDx Variant Classification (06012015). Collection method: clinical testing. Allele origin: germline. Affected: yes.
Comment: This variant is considered likely benign or benign based on one or more of the following criteria: it is a conservative change, it occurs at a poorly conserved position in the protein, it is predicted to be benign by multiple in silico algorithms, and/or has population frequency not consistent with disease.